The following is an entry in ClinVar:

NM_001182.5(ALDH7A1):c.1210C>T (p.Arg404Cys)

Gene: ALDH7A1 (aldehyde dehydrogenase 7 family member A1; minus strand). Cytogenetic location: 5q23.2.
Variant type: single nucleotide variant.
Coding change: c.1210C>T on transcript NM_001182.5 (MANE Select); coding-DNA position 1210, C replaced by T.
Protein change: p.Arg404Cys; replaces arginine 404 with cysteine.
Molecular consequence: missense variant.
Genome position (GRCh38, 1-based): chr5:126,552,128, G>A on the plus strand (C>T on the coding strand, the complement: ALDH7A1 is on the minus strand). VCF-style: chr5-126552128-G-A. GRCh37 (hg19) VCF-style: chr5-125887820-G-A.
Other names: c.1126C>T, p.Arg376Cys (NM_001201377.2); c.1018C>T, p.Arg340Cys (NM_001202404.2); short protein forms R376C, R404C, R340C.
Identifiers: ClinVar variation 906182 (VCV000906182.12), dbSNP rs181287032, ClinGen allele CA3389482.
Genomic context (GRCh38, chr5:126,552,128, plus strand): 5'-CAATGGACGCATCGTGGCCAAGACCTGTCACAATTGTCGGTTCTACATAATTTCCAGGGC[G>A]ATCCATAACCTAATGCAGAGAAATGAAATAAAAAGAATGAAAGCATTTTGTTTTCTAGGA-3'
Protein context (NP_001173.2, residues 394-414): TVVYGGKVMD[Arg404Cys]PGNYVEPTIV

ClinVar aggregate classification (germline): Uncertain significance. Review status: criteria provided, multiple submitters, no conflicts (2 of 4 stars). 3 submissions from 3 submitters: Uncertain significance (3). Last evaluated 2025-02-03.

Conditions:
Pyridoxine-dependent epilepsy (EPEO4). Also called: PYRIDOXINE DEPENDENCY WITH SEIZURES; Pyridoxine-Dependent Epilepsy - ALDH7A1; EPILEPSY, EARLY-ONSET, 4, VITAMIN B6-DEPENDENT; Pyridoxine-Dependent Seizures. Identifiers: Orphanet 3006, MedGen C1849508, MONDO:0009945, OMIM 266100. Disease mechanism: loss of function.

Allele frequency attached by ClinVar (database versions not stated): gnomAD exomes 0.00002; gnomAD 0.00004 and 0.00003; ExAC 0.00002; TOPMed 0.00007; 1000 Genomes Project 30x 0.00016; 1000 Genomes Project 0.00020.

Submissions (3):

Labcorp Genetics (formerly Invitae), Labcorp
Classification: Uncertain significance for Pyridoxine-dependent epilepsy. Last evaluated: 2025-02-03. Review status: criteria provided, single submitter. Criteria: Invitae Variant Classification Sherloc (09022015). Collection method: clinical testing. Allele origin: germline.
Comment: This sequence change replaces arginine, which is basic and polar, with cysteine, which is neutral and slightly polar, at codon 404 of the ALDH7A1 protein (p.Arg404Cys). This variant is present in population databases (rs181287032, gnomAD 0.02%). This variant has not been reported in the literature in individuals affected with ALDH7A1-related conditions. ClinVar contains an entry for this variant (Variation ID: 906182). Invitae Evidence Modeling of protein sequence and biophysical properties (such as structural, functional, and spatial information, amino acid conservation, physicochemical variation, residue mobility, and thermodynamic stability) indicates that this missense variant is expected to disrupt ALDH7A1 protein function with a positive predictive value of 80%. In summary, the available evidence is currently insufficient to determine the role of this variant in disease. Therefore, it has been classified as a Variant of Uncertain Significance.

Genome-Nilou Lab
Classification: Uncertain significance for Pyridoxine-dependent epilepsy. Last evaluated: 2023-04-11. Review status: criteria provided, single submitter. Criteria: ACMG Guidelines, 2015. Collection method: clinical testing. Allele origin: germline. Affected: no.

Illumina Laboratory Services, Illumina
Classification: Uncertain significance for Pyridoxine-dependent epilepsy. Last evaluated: 2017-04-27. Review status: criteria provided, single submitter. Criteria: ICSL Variant Classification Criteria 13 December 2019. Collection method: clinical testing. Allele origin: germline.